The following is an entry in ClinVar:

NM_000135.4(FANCA):c.1961C>A (p.Thr654Lys)

Gene: FANCA (FA complementation group A; minus strand). Cytogenetic location: 16q24.3.
Variant type: single nucleotide variant.
Coding change: c.1961C>A on transcript NM_000135.4 (MANE Select); coding-DNA position 1961, C replaced by A.
Protein change: p.Thr654Lys; replaces threonine 654 with lysine.
Molecular consequence: missense variant.
Genome position (GRCh38, 1-based): chr16:89,773,324, G>T on the plus strand (C>A on the coding strand, the complement: FANCA is on the minus strand). VCF-style: chr16-89773324-G-T. GRCh37 (hg19) VCF-style: chr16-89839732-G-T.
Other names: c.1961C>A, p.Thr654Lys (NM_001286167.3); short protein forms T654K.
Identifiers: ClinVar variation 4254252 (VCV004254252.1).

ClinVar aggregate classification (germline): Uncertain significance (1 of 4 stars; one submission).

Conditions:
Inborn genetic diseases. Identifiers: MedGen C0950123, MeSH D030342.

gnomAD v4.1: 1 of 1,551,468 alleles (0.000064%); highest among the groups gnomAD compares: Non-Finnish European, 0.000087%; no homozygotes.

Submission:

Ambry Genetics
Classification: Uncertain significance for Inborn genetic diseases. Last evaluated: 2025-08-02. Review status: criteria provided, single submitter. Criteria: Ambry Variant Classification Scheme 2023. Collection method: clinical testing. Allele origin: germline.
Comment: The p.T654K variant (also known as c.1961C>A), located in coding exon 22 of the FANCA gene, results from a C to A substitution at nucleotide position 1961. The threonine at codon 654 is replaced by lysine, an amino acid with similar properties. This amino acid position is conserved. In addition, this alteration is predicted to be tolerated by in silico analysis. Based on the available evidence, the clinical significance of this variant remains unclear.